The following is an entry in ClinVar:

NM_001040436.3(YARS2):c.326T>C (p.Ile109Thr)

Gene: YARS2 (tyrosyl-tRNA synthetase 2; minus strand). Cytogenetic location: 12p11.21.
Variant type: single nucleotide variant.
Coding change: c.326T>C on transcript NM_001040436.3 (MANE Select); coding-DNA position 326, T replaced by C.
Protein change: p.Ile109Thr; replaces isoleucine 109 with threonine.
Molecular consequence: missense variant.
Genome position (GRCh38, 1-based): chr12:32,755,549, A>G on the plus strand (T>C on the coding strand, the complement: YARS2 is on the minus strand). VCF-style: chr12-32755549-A-G. GRCh37 (hg19) VCF-style: chr12-32908483-A-G.
Other names: short protein forms I109T.
Identifiers: ClinVar variation 1377475 (VCV001377475.6), dbSNP rs2137663405, ClinGen allele CA384374120.

ClinVar aggregate classification (germline): Uncertain significance (1 of 4 stars; one submission).

Allele frequency attached by ClinVar (database versions not stated): gnomAD exomes below 0.00001.

Submission:

Labcorp Genetics (formerly Invitae), Labcorp
Classification: Uncertain significance. Last evaluated: 2024-04-25. Review status: criteria provided, single submitter. Criteria: Invitae Variant Classification Sherloc (09022015). Collection method: clinical testing. Allele origin: germline.
Comment: This sequence change replaces isoleucine, which is neutral and non-polar, with threonine, which is neutral and polar, at codon 109 of the YARS2 protein (p.Ile109Thr). This variant is not present in population databases (gnomAD no frequency). This variant has not been reported in the literature in individuals affected with YARS2-related conditions. ClinVar contains an entry for this variant (Variation ID: 1377475). Advanced modeling of protein sequence and biophysical properties (such as structural, functional, and spatial information, amino acid conservation, physicochemical variation, residue mobility, and thermodynamic stability) performed at Invitae indicates that this missense variant is not expected to disrupt YARS2 protein function with a negative predictive value of 80%. In summary, the available evidence is currently insufficient to determine the role of this variant in disease. Therefore, it has been classified as a Variant of Uncertain Significance.